The following is an entry in ClinVar:

NM_001366385.1(CARD14):c.956G>A (p.Arg319Gln)

Gene: CARD14 (caspase recruitment domain family member 14; plus strand). Cytogenetic location: 17q25.3.
Variant type: single nucleotide variant.
Coding change: c.956G>A on transcript NM_001366385.1 (MANE Select); coding-DNA position 956, G replaced by A.
Protein change: p.Arg319Gln; replaces arginine 319 with glutamine.
Molecular consequence: missense variant. On other transcripts: non-coding transcript variant (1).
Genome position (GRCh38, 1-based): chr17:80,189,865, G>A. VCF-style: chr17-80189865-G-A. GRCh37 (hg19) VCF-style: chr17-78163664-G-A.
Other names: c.956G>A, p.Arg319Gln (NM_024110.4, NM_001257970.1); c.245G>A, p.Arg82Gln (NM_052819.3); short protein forms R319Q, R82Q.
Identifiers: ClinVar variation 950569 (VCV000950569.11), dbSNP rs138991161, ClinGen allele CA8816589.

ClinVar aggregate classification (germline): Conflicting classifications of pathogenicity. Review status: criteria provided, conflicting classifications (1 of 4 stars). 2 submissions from 2 submitters: Uncertain significance (1); Likely benign (1). Last evaluated 2025-09-23.

Conditions:
Pityriasis rubra pilaris (PRP). Also called: Pityriasis rubra pilaris--familial type. Identifiers: Orphanet 2897, MedGen C0032027, MONDO:0100017, OMIM 173200, MONDO:0008251.
Psoriasis 2. Identifiers: MedGen C1864497, MONDO:0011269, OMIM 602723.

Allele frequency attached by ClinVar (database versions not stated): ExAC 0.00004; gnomAD exomes 0.00004; TOPMed 0.00005; gnomAD 0.00006; ESP Exome Variant Server 0.00008.
gnomAD v4.1: 67 of 1,594,944 alleles (0.0042%); highest among the groups gnomAD compares: Middle Eastern, 0.033%; no homozygotes.

Submissions (2):

Labcorp Genetics (formerly Invitae), Labcorp
Classification: Uncertain significance for Pityriasis rubra pilaris; Psoriasis 2. Last evaluated: 2025-09-23. Review status: criteria provided, single submitter. Criteria: Invitae Variant Classification Sherloc (09022015). Collection method: clinical testing. Allele origin: germline.
Comment: This sequence change replaces arginine, which is basic and polar, with glutamine, which is neutral and polar, at codon 319 of the CARD14 protein (p.Arg319Gln). This variant is present in population databases (rs138991161, gnomAD 0.01%). This missense change has been observed in individual(s) with familial Mediterranean fever, however the individual also carried variants in the MEFV gene (PMID: 32199921). ClinVar contains an entry for this variant (Variation ID: 950569). Invitae Evidence Modeling of protein sequence and biophysical properties (such as structural, functional, and spatial information, amino acid conservation, physicochemical variation, residue mobility, and thermodynamic stability) indicates that this missense variant is not expected to disrupt CARD14 protein function with a negative predictive value of 95%. In summary, the available evidence is currently insufficient to determine the role of this variant in disease. Therefore, it has been classified as a Variant of Uncertain Significance.

Blueprint Genetics
Classification: Likely benign. Last evaluated: 2024-01-11. Review status: criteria provided, single submitter. Criteria: ACMG Guidelines, 2015. Collection method: clinical testing. Allele origin: germline.

Literature cited by the submitters: PubMed 32199921 (cited by Labcorp Genetics (formerly Invitae), Labcorp).